The following is an entry in ClinVar:

ClinVar aggregate classification (germline): Uncertain significance. Review status: criteria provided, multiple submitters, no conflicts (2 of 4 stars). 5 submissions from 5 submitters: Uncertain significance (5). Last evaluated 2025-03-26.

Conditions:
Hyperkalemic periodic paralysis. Also called: Familial hyperkalemic periodic paralysis; Gamstorp disease. Identifiers: Orphanet 682, MedGen C0238357, MONDO:0008224, OMIM 170500, HP:0007215.
Congenital myopathy 22A, classic (CMYO22A). Identifiers: MedGen C5830453, MONDO:0957247, OMIM 620351.
Congenital myopathy 22B, severe fetal (CMYO22B). Identifiers: MedGen C5830501, MONDO:0957265, OMIM 620369.
Paramyotonia congenita of Von Eulenburg. Also called: Eulenburg disease; Myotonia congenita intermittens; Von Eulenburg paramyotonia congenita; Paramyotonia Congenita; PARALYSIS PERIODICA PARAMYOTONICA. Identifiers: Orphanet 684, MedGen C0221055, MONDO:0008195, OMIM 168300. Disease mechanism: loss of function.
Hypokalemic periodic paralysis, type 2 (HOKPP2). Identifiers: Orphanet 681, MedGen C2750061, MONDO:0013234, OMIM 613345.
Potassium-aggravated myotonia. Also called: MYOTONIA CONGENITA, ACETAZOLAMIDE-RESPONSIVE; MYOTONIA CONGENITA, ATYPICAL; SODIUM CHANNEL MUSCLE DISEASE; Myotonia congenita, atypical, acetazolamide-responsive. Identifiers: Orphanet 612, Orphanet 99734, Orphanet 99735, Orphanet 99736, MedGen C2931826, MONDO:0018959, OMIM 608390.
Congenital myasthenic syndrome 16. Identifiers: Orphanet 590, MedGen C3280112, MONDO:0013620, OMIM 614198.
Inborn genetic diseases. Identifiers: MedGen C0950123, MeSH D030342.

Allele frequency attached by ClinVar (database versions not stated): TOPMed 0.00005; ESP Exome Variant Server 0.00016; gnomAD 0.00005 and 0.00006; gnomAD exomes 0.00003; ExAC 0.00004.
gnomAD v4.1: 88 of 1,613,926 alleles (0.0055%); highest among the groups gnomAD compares: African/African-American, 0.0093%; no homozygotes.

Submissions (5):

Labcorp Genetics (formerly Invitae), Labcorp
Classification: Uncertain significance for Hyperkalemic periodic paralysis. Last evaluated: 2025-03-26. Review status: criteria provided, single submitter. Criteria: Invitae Variant Classification Sherloc (09022015). Collection method: clinical testing. Allele origin: germline.
Comment: This sequence change replaces glutamic acid, which is acidic and polar, with lysine, which is basic and polar, at codon 1622 of the SCN4A protein (p.Glu1622Lys). This variant is present in population databases (rs369430918, gnomAD 0.02%). This variant has not been reported in the literature in individuals affected with SCN4A-related conditions. ClinVar contains an entry for this variant (Variation ID: 840491). Invitae Evidence Modeling of protein sequence and biophysical properties (such as structural, functional, and spatial information, amino acid conservation, physicochemical variation, residue mobility, and thermodynamic stability) has been performed for this missense variant. However, the output from this modeling did not meet the statistical confidence thresholds required to predict the impact of this variant on SCN4A protein function. In summary, the available evidence is currently insufficient to determine the role of this variant in disease. Therefore, it has been classified as a Variant of Uncertain Significance.

Ambry Genetics
Classification: Uncertain significance for Inborn genetic diseases. Last evaluated: 2024-07-26. Review status: criteria provided, single submitter. Criteria: Ambry Variant Classification Scheme 2023. Collection method: clinical testing. Allele origin: germline.

Fulgent Genetics
Classification: Uncertain significance for Paramyotonia congenita of Von Eulenburg; Hyperkalemic periodic paralysis; Potassium-aggravated myotonia; Hypokalemic periodic paralysis, type 2; Congenital myasthenic syndrome 16; Congenital myopathy 22A, classic; Congenital myopathy 22B, severe fetal. Last evaluated: 2024-04-12. Review status: criteria provided, single submitter. Criteria: ACMG Guidelines, 2015. Collection method: clinical testing. Allele origin: germline.

Revvity Omics, Revvity
Classification: Uncertain significance. Last evaluated: 2023-05-15. Review status: criteria provided, single submitter. Criteria: ACMG Guidelines, 2015. Collection method: clinical testing. Allele origin: germline.

CeGaT Center for Human Genetics Tuebingen
Classification: Uncertain significance. Last evaluated: 2022-12-01. Review status: criteria provided, single submitter. Criteria: CeGaT Center For Human Genetics Tuebingen Variant Classification Criteria Version 2. Collection method: clinical testing. Allele origin: germline. Affected: yes. Observed: 1 variant allele.
Comment: SCN4A: PM2, PP3

NM_000334.4(SCN4A):c.4864G>A (p.Glu1622Lys)

Genes: GH-LCR (growth hormone locus control region; plus strand), SCN4A (sodium voltage-gated channel alpha subunit 4; minus strand). Cytogenetic location: 17q23.3.
Variant type: single nucleotide variant.
Coding change: c.4864G>A on transcript NM_000334.4 (MANE Select); coding-DNA position 4864, G replaced by A.
Protein change: p.Glu1622Lys; replaces glutamic acid 1622 with lysine.
Molecular consequence: missense variant.
Genome position (GRCh38, 1-based): chr17:63,941,418, C>T on the plus strand (G>A on the coding strand, the complement: SCN4A is on the minus strand). VCF-style: chr17-63941418-C-T. GRCh37 (hg19) VCF-style: chr17-62018778-C-T.
Other names: short protein forms E1622K.
Identifiers: ClinVar variation 840491 (VCV000840491.35), dbSNP rs369430918, ClinGen allele CA8708891.